The following is an entry in ClinVar:

ClinVar aggregate classification (germline): Uncertain significance (1 of 4 stars; one submission).

Allele frequency attached by ClinVar (database versions not stated): gnomAD 0.00001; TOPMed 0.00001.
gnomAD v4.1: 1 of 1,598,234 alleles (0.000063%); highest among the groups gnomAD compares: Non-Finnish European, 0.000085%; no homozygotes.

Submission:

Labcorp Genetics (formerly Invitae), Labcorp
Classification: Uncertain significance. Last evaluated: 2023-12-27. Review status: criteria provided, single submitter. Criteria: Invitae Variant Classification Sherloc (09022015). Collection method: clinical testing. Allele origin: germline.
Comment: This sequence change replaces leucine, which is neutral and non-polar, with arginine, which is basic and polar, at codon 187 of the MKL1 protein (p.Leu187Arg). This variant is not present in population databases (gnomAD no frequency). This variant has not been reported in the literature in individuals affected with MKL1-related conditions. An algorithm developed to predict the effect of missense changes on protein structure and function (PolyPhen-2) suggests that this variant is likely to be tolerated. In summary, the available evidence is currently insufficient to determine the role of this variant in disease. Therefore, it has been classified as a Variant of Uncertain Significance.

NM_020831.6(MRTFA):c.860T>G (p.Leu287Arg)

Gene: MRTFA (myocardin related transcription factor A; minus strand). Cytogenetic location: 22q13.1.
Variant type: single nucleotide variant.
Coding change: c.860T>G on transcript NM_020831.6 (MANE Select); coding-DNA position 860, T replaced by G.
Protein change: p.Leu287Arg; replaces leucine 287 with arginine.
Molecular consequence: missense variant. On other transcripts: intron variant (1).
Genome position (GRCh38, 1-based): chr22:40,423,603, A>C on the plus strand (T>G on the coding strand, the complement: MRTFA is on the minus strand). VCF-style: chr22-40423603-A-C. GRCh37 (hg19) VCF-style: chr22-40819607-A-C.
Other names: c.560T>G, p.Leu187Arg (NM_001282660.2); c.860T>G, p.Leu287Arg (NM_001282662.3); c.665T>G, p.Leu222Arg (NM_001318139.2); c.777+603T>G (NM_001282661.3); short protein forms L287R, L187R, L222R.
Identifiers: ClinVar variation 2705854 (VCV002705854.3), dbSNP rs1490066504, ClinGen allele CA411665407.